The following is an entry in ClinVar:

NM_005732.4(RAD50):c.1617G>C (p.Glu539Asp)

Gene: RAD50 (RAD50 double strand break repair protein; plus strand). Cytogenetic location: 5q31.1.
Variant type: single nucleotide variant.
Coding change: c.1617G>C on transcript NM_005732.4 (MANE Select); coding-DNA position 1617, G replaced by C.
Protein change: p.Glu539Asp; replaces glutamic acid 539 with aspartic acid.
Molecular consequence: missense variant.
Genome position (GRCh38, 1-based): chr5:132,591,388, G>C. VCF-style: chr5-132591388-G-C. GRCh37 (hg19) VCF-style: chr5-131927080-G-C.
Other names: short protein forms E539D.
Identifiers: ClinVar variation 1776517 (VCV001776517.2), dbSNP rs2149842351, ClinGen allele CA360946143.

ClinVar aggregate classification (germline): Uncertain significance (1 of 4 stars; one submission).

Conditions:
Hereditary cancer-predisposing syndrome. Also called: Neoplastic Syndromes, Hereditary; Tumor predisposition; Hereditary Cancer Syndrome; Hereditary neoplastic syndrome. Identifiers: Orphanet 140162, MedGen C0027672, MeSH D009386, MONDO:0015356.

Submission:

Ambry Genetics
Classification: Uncertain significance for Hereditary cancer-predisposing syndrome. Last evaluated: 2022-09-25. Review status: criteria provided, single submitter. Criteria: Ambry Variant Classification Scheme 2023. Collection method: clinical testing. Allele origin: germline.
Comment: The p.E539D variant (also known as c.1617G>C), located in coding exon 10 of the RAD50 gene, results from a G to C substitution at nucleotide position 1617. The glutamic acid at codon 539 is replaced by aspartic acid, an amino acid with highly similar properties. This amino acid position is highly conserved through mammals but not in all available vertebrate species. In addition, this alteration is predicted to be tolerated by in silico analysis. Since supporting evidence is limited at this time, the clinical significance of this alteration remains unclear.